The following is an entry in ClinVar:

NM_001369.3(DNAH5):c.1989C>A (p.Tyr663Ter)

Gene: DNAH5 (dynein axonemal heavy chain 5; minus strand). Cytogenetic location: 5p15.2.
Variant type: single nucleotide variant.
Coding change: c.1989C>A on transcript NM_001369.3 (MANE Select); coding-DNA position 1989, C replaced by A.
Protein change: p.Tyr663Ter; replaces tyrosine 663 with a stop codon.
Molecular consequence: nonsense.
Genome position (GRCh38, 1-based): chr5:13,901,315, G>T on the plus strand (C>A on the coding strand, the complement: DNAH5 is on the minus strand). VCF-style: chr5-13901315-G-T. GRCh37 (hg19) VCF-style: chr5-13901424-G-T.
Other names: short protein forms Y663*.
Identifiers: ClinVar variation 2020323 (VCV002020323.4), dbSNP rs2547091952, ClinGen allele CA359205099.

ClinVar aggregate classification (germline): Pathogenic (1 of 4 stars; one submission).

Conditions:
Primary ciliary dyskinesia. Also called: Ciliary dyskinesia. Identifiers: Orphanet 244, MedGen C0008780, MONDO:0016575, HP:0012265.

Submission:

Labcorp Genetics (formerly Invitae), Labcorp
Classification: Pathogenic for Primary ciliary dyskinesia. Last evaluated: 2022-10-14. Review status: criteria provided, single submitter. Criteria: Invitae Variant Classification Sherloc (09022015). Collection method: clinical testing. Allele origin: germline.
Comment: For these reasons, this variant has been classified as Pathogenic. This variant has not been reported in the literature in individuals affected with DNAH5-related conditions. This variant is not present in population databases (gnomAD no frequency). This sequence change creates a premature translational stop signal (p.Tyr663*) in the DNAH5 gene. It is expected to result in an absent or disrupted protein product. Loss-of-function variants in DNAH5 are known to be pathogenic (PMID: 11788826, 16627867).

Literature cited by the submitters: PubMed 11788826; PubMed 16627867.